The following is an entry in ClinVar:

ClinVar aggregate classification (germline): Likely pathogenic (1 of 4 stars; one submission).

Conditions:
LAMA2-related muscular dystrophy (LAMA2-RD). Also called: Laminin alpha 2-related dystrophy. Identifiers: MedGen C5679788, MONDO:0100228.

Submission:

Labcorp Genetics (formerly Invitae), Labcorp
Classification: Likely pathogenic for LAMA2-related muscular dystrophy. Last evaluated: 2022-10-08. Review status: criteria provided, single submitter. Criteria: Invitae Variant Classification Sherloc (09022015). Collection method: clinical testing. Allele origin: germline.
Comment: In summary, the currently available evidence indicates that the variant is pathogenic, but additional data are needed to prove that conclusively. Therefore, this variant has been classified as Likely Pathogenic. This variant has not been reported in the literature in individuals affected with LAMA2-related conditions. This variant results in a copy number gain of the genomic region encompassing exon(s) 45-48 of the LAMA2 gene. While the exact position of this variant cannot be determined from the data, sub-genic copy number gains are generally in tandem (PMID: 25640679). This variant is predicted to be out-of-frame, and may result in an absent or disrupted protein product. Loss-of-function variants in LAMA2 are known to be pathogenic (PMID: 18700894, 32904964).

Literature cited by the submitters: PubMed 25640679; PubMed 18700894; PubMed 32904964.

NC_000006.11:g.(?_129766802)_(129777649_?)dup

Gene: LAMA2 (laminin subunit alpha 2; plus strand). Cytogenetic location: 6q22.33.
Variant type: Duplication.
Identifiers: ClinVar variation 2423067 (VCV002423067.5).